The following is an entry in ClinVar:

NM_001040108.2(MLH3):c.1983T>C (p.Thr661=)

Gene: MLH3 (mutL homolog 3; minus strand). Cytogenetic location: 14q24.3.
Variant type: single nucleotide variant.
Coding change: c.1983T>C on transcript NM_001040108.2 (MANE Select); coding-DNA position 1983, T replaced by C.
Protein change: p.Thr661=; no amino-acid change (threonine 661 retained).
Molecular consequence: synonymous variant.
Genome position (GRCh38, 1-based): chr14:75,047,673, A>G on the plus strand (T>C on the coding strand, the complement: MLH3 is on the minus strand). VCF-style: chr14-75047673-A-G. GRCh37 (hg19) VCF-style: chr14-75514376-A-G.
Other names: c.1983T>C, p.Thr661= (NM_014381.3).
Identifiers: ClinVar variation 1783848 (VCV001783848.5), dbSNP rs376024613, ClinGen allele CA7275783.

ClinVar aggregate classification (germline): Benign/Likely benign. Review status: criteria provided, multiple submitters, no conflicts (2 of 4 stars). 3 submissions from 3 submitters: Benign (1); Likely benign (2). Last evaluated 2026-05-04.

Conditions:
Colorectal cancer, hereditary nonpolyposis, type 7. Identifiers: Orphanet 144, MedGen C1858380, MONDO:0013725, OMIM 614385.

Allele frequency attached by ClinVar (database versions not stated): ExAC 0.00001.
gnomAD v4.1: 5 of 1,613,862 alleles (0.00031%); highest among the groups gnomAD compares: Admixed American, 0.0017%; no homozygotes.

Submissions (3):

Myriad Genetics, Inc.
Classification: Benign for Colorectal cancer, hereditary nonpolyposis, type 7. Last evaluated: 2026-05-04. Review status: criteria provided, single submitter. Criteria: Myriad Autosomal Dominant, Autosomal Recessive and X-Linked Classification Criteria (2023). Collection method: clinical testing. Allele origin: unknown.
Comment: This variant is considered benign. This variant is a silent/synonymous amino acid change and it is not expected to impact splicing.

Labcorp Genetics (formerly Invitae), Labcorp
Classification: Likely benign for Colorectal cancer, hereditary nonpolyposis, type 7. Last evaluated: 2024-02-11. Review status: criteria provided, single submitter. Criteria: Invitae Variant Classification Sherloc (09022015). Collection method: clinical testing. Allele origin: germline.

Ambry Genetics
Classification: Likely benign. Last evaluated: 2022-06-12. Review status: criteria provided, single submitter. Criteria: Ambry Variant Classification Scheme 2023. Collection method: clinical testing. Allele origin: germline.